The following is an entry in ClinVar:

NM_007118.4(TRIO):c.1211T>C (p.Val404Ala)

Gene: TRIO (trio Rho guanine nucleotide exchange factor; plus strand). Cytogenetic location: 5p15.2.
Variant type: single nucleotide variant.
Coding change: c.1211T>C on transcript NM_007118.4 (MANE Select); coding-DNA position 1211, T replaced by C.
Protein change: p.Val404Ala; replaces valine 404 with alanine.
Molecular consequence: missense variant. On other transcripts: non-coding transcript variant (1).
Genome position (GRCh38, 1-based): chr5:14,297,106, T>C. VCF-style: chr5-14297106-T-C. GRCh37 (hg19) VCF-style: chr5-14297215-T-C.
Other names: short protein forms V404A.
Identifiers: ClinVar variation 3393329 (VCV003393329.1).

ClinVar aggregate classification (germline): Uncertain significance (1 of 4 stars; one submission).

Conditions:
Intellectual developmental disorder, autosomal dominant 63, with macrocephaly. Also called: MENTAL RETARDATION, AUTOSOMAL DOMINANT 63, WITH MACROCEPHALY. Identifiers: MedGen C5394205, MONDO:0032939, OMIM 618825.

gnomAD v4.1: 1 of 1,613,770 alleles (0.000062%); highest among the groups gnomAD compares: South Asian, 0.0011%; no homozygotes.

Submission:

Department of Human Genetics, Hannover Medical School
Classification: Uncertain significance for Intellectual developmental disorder, autosomal dominant 63, with macrocephaly. Last evaluated: 2025-01-03. Review status: criteria provided, single submitter. Criteria: ACMG Guidelines, 2015. Collection method: clinical testing. Allele origin: germline. Affected: yes.
Comment: ACMG: PM2_Supporting, PP2